The following is an entry in ClinVar:

ClinVar aggregate classification (germline): Benign (0 of 4 stars; one submission).

Conditions:
CHST8-related disorder. Also called: CHST8-related condition.

Allele frequency attached by ClinVar (database versions not stated): gnomAD exomes 0.00067; ExAC 0.00252; gnomAD 0.00711; TOPMed 0.00764; ESP Exome Variant Server 0.00853; 1000 Genomes Project 0.01018; 1000 Genomes Project 30x 0.01046.
gnomAD v4.1: 2,090 of 1,613,724 alleles (0.13%); highest among the groups gnomAD compares: African/African-American, 2.4%; 30 homozygotes.

Submission:

PreventionGenetics, part of Exact Sciences
Classification: Benign for CHST8-related condition. Last evaluated: 2024-02-01. Review status: no assertion criteria provided. Collection method: clinical testing. Allele origin: germline.
Comment: This variant is classified as benign based on ACMG/AMP sequence variant interpretation guidelines (Richards et al. 2015 PMID: 25741868, with internal and published modifications).

NM_001127895.2(CHST8):c.702G>A (p.Lys234=)

Gene: CHST8 (carbohydrate sulfotransferase 8; plus strand). Cytogenetic location: 19q13.11.
Variant type: single nucleotide variant.
Coding change: c.702G>A on transcript NM_001127895.2 (MANE Select); coding-DNA position 702, G replaced by A.
Protein change: p.Lys234=; no amino-acid change (lysine 234 retained).
Molecular consequence: synonymous variant.
Genome position (GRCh38, 1-based): chr19:33,772,490, G>A. VCF-style: chr19-33772490-G-A. GRCh37 (hg19) VCF-style: chr19-34263395-G-A.
Other names: c.702G>A, p.Lys234= (NM_001127896.2, NM_022467.3).
Identifiers: ClinVar variation 3041302 (VCV003041302.2), dbSNP rs57474890, ClinGen allele CA9364786.